The following is an entry in ClinVar:

NM_005419.4(STAT2):c.1331A>C (p.Gln444Pro)

Gene: STAT2 (signal transducer and activator of transcription 2; minus strand). Cytogenetic location: 12q13.3.
Variant type: single nucleotide variant.
Coding change: c.1331A>C on transcript NM_005419.4 (MANE Select); coding-DNA position 1331, A replaced by C.
Protein change: p.Gln444Pro; replaces glutamine 444 with proline.
Molecular consequence: missense variant.
Genome position (GRCh38, 1-based): chr12:56,349,436, T>G on the plus strand (A>C on the coding strand, the complement: STAT2 is on the minus strand). VCF-style: chr12-56349436-T-G. GRCh37 (hg19) VCF-style: chr12-56743220-T-G.
Other names: c.1298A>C, p.Gln433Pro (NM_001385110.1); c.1331A>C, p.Gln444Pro (NM_001385111.1, NM_001385113.1); c.1310A>C, p.Gln437Pro (NM_001385114.1); c.1319A>C, p.Gln440Pro (NM_001385115.1, NM_198332.2); short protein forms Q444P, Q437P, Q433P, Q440P.
Identifiers: ClinVar variation 1495845 (VCV001495845.8), dbSNP rs763840968, ClinGen allele CA6630556.

ClinVar aggregate classification (germline): Uncertain significance (1 of 4 stars; one submission).

Conditions:
Primary immunodeficiency with post-measles-mumps-rubella vaccine viral infection. Also called: Immunodeficiency 44. Identifiers: Orphanet 431166, MedGen C4225260, MONDO:0014715, OMIM 616636.

Allele frequency attached by ClinVar (database versions not stated): gnomAD exomes below 0.00001; ExAC 0.00001.
gnomAD v4.1: 1 of 1,614,238 alleles (0.000062%); highest among the groups gnomAD compares: Non-Finnish European, 0.000085%; no homozygotes.

Submission:

Labcorp Genetics (formerly Invitae), Labcorp
Classification: Uncertain significance for Primary immunodeficiency with post-measles-mumps-rubella vaccine viral infection. Last evaluated: 2022-03-19. Review status: criteria provided, single submitter. Criteria: Invitae Variant Classification Sherloc (09022015). Collection method: clinical testing. Allele origin: germline.
Comment: In summary, the available evidence is currently insufficient to determine the role of this variant in disease. Therefore, it has been classified as a Variant of Uncertain Significance. This sequence change replaces glutamine, which is neutral and polar, with proline, which is neutral and non-polar, at codon 444 of the STAT2 protein (p.Gln444Pro). This variant is not present in population databases (gnomAD no frequency). This variant has not been reported in the literature in individuals affected with STAT2-related conditions. Algorithms developed to predict the effect of missense changes on protein structure and function (SIFT, PolyPhen-2, Align-GVGD) all suggest that this variant is likely to be tolerated.